The following is an entry in ClinVar:

ClinVar aggregate classification (germline): Uncertain significance (1 of 4 stars; one submission).

gnomAD v4.1: 2 of 1,612,744 alleles (0.00012%); highest among the groups gnomAD compares: Non-Finnish European, 0.00017%; no homozygotes.

Submission:

Labcorp Genetics (formerly Invitae), Labcorp
Classification: Uncertain significance. Last evaluated: 2025-04-27. Review status: criteria provided, single submitter. Criteria: Invitae Variant Classification Sherloc (09022015). Collection method: clinical testing. Allele origin: germline.
Comment: This sequence change replaces proline, which is neutral and non-polar, with histidine, which is basic and polar, at codon 740 of the WFS1 protein (p.Pro740His). The frequency data for this variant in the population databases is considered unreliable, as metrics indicate poor data quality at this position in the gnomAD database. This variant has not been reported in the literature in individuals affected with WFS1-related conditions. Invitae Evidence Modeling of protein sequence and biophysical properties (such as structural, functional, and spatial information, amino acid conservation, physicochemical variation, residue mobility, and thermodynamic stability) indicates that this missense variant is expected to disrupt WFS1 protein function with a positive predictive value of 95%. In summary, the available evidence is currently insufficient to determine the role of this variant in disease. Therefore, it has been classified as a Variant of Uncertain Significance.

NM_006005.3(WFS1):c.2219C>A (p.Pro740His)

Gene: WFS1 (wolframin ER transmembrane glycoprotein; plus strand). Cytogenetic location: 4p16.1.
Variant type: single nucleotide variant.
Coding change: c.2219C>A on transcript NM_006005.3 (MANE Select); coding-DNA position 2219, C replaced by A.
Protein change: p.Pro740His; replaces proline 740 with histidine.
Molecular consequence: missense variant.
Genome position (GRCh38, 1-based): chr4:6,302,014, C>A. VCF-style: chr4-6302014-C-A. GRCh37 (hg19) VCF-style: chr4-6303741-C-A.
Other names: c.2219C>A, p.Pro740His (NM_001145853.1); short protein forms P740H.
Identifiers: ClinVar variation 4764471 (VCV004764471.1).